The following is an entry in ClinVar:

ClinVar aggregate classification (germline): Uncertain significance (1 of 4 stars; one submission).

Submission:

Labcorp Genetics (formerly Invitae), Labcorp
Classification: Uncertain significance. Last evaluated: 2022-07-19. Review status: criteria provided, single submitter. Criteria: Invitae Variant Classification Sherloc (09022015). Collection method: clinical testing. Allele origin: germline.
Comment: This sequence change replaces asparagine, which is neutral and polar, with serine, which is neutral and polar, at codon 1929 of the RP1 protein (p.Asn1929Ser). This variant is not present in population databases (gnomAD no frequency). This variant has not been reported in the literature in individuals affected with RP1-related conditions. Algorithms developed to predict the effect of missense changes on protein structure and function are either unavailable or do not agree on the potential impact of this missense change (SIFT: "Deleterious"; PolyPhen-2: "Probably Damaging"; Align-GVGD: "Class C0"). In summary, the available evidence is currently insufficient to determine the role of this variant in disease. Therefore, it has been classified as a Variant of Uncertain Significance.

NM_006269.2(RP1):c.5786A>G (p.Asn1929Ser)

Genes: RP1 (RP1 axonemal microtubule associated; plus strand), LOC126860392 (CDK7 strongly-dependent group 2 enhancer GRCh37_chr8:55541319-55542518; plus strand). Cytogenetic location: 8q12.1.
Variant type: single nucleotide variant.
Coding change: c.5786A>G on transcript NM_006269.2 (MANE Select); coding-DNA position 5786, A replaced by G.
Protein change: p.Asn1929Ser; replaces asparagine 1929 with serine.
Molecular consequence: missense variant. On other transcripts: intron variant (1).
Genome position (GRCh38, 1-based): chr8:54,629,668, A>G. VCF-style: chr8-54629668-A-G. GRCh37 (hg19) VCF-style: chr8-55542228-A-G.
Other names: c.787+7380A>G (NM_001375654.1); short protein forms N1929S.
Identifiers: ClinVar variation 1718491 (VCV001718491.6), dbSNP rs2536591342, ClinGen allele CA370987957.